The following is an entry in ClinVar:

ClinVar aggregate classification (germline): Uncertain significance. Review status: criteria provided, single submitter (1 of 4 stars). 2 submissions from 2 submitters: Uncertain significance (1). 1 of the submissions does not count toward it. Last evaluated 2025-08-11.

Conditions:
Inborn genetic diseases. Identifiers: MedGen C0950123, MeSH D030342.

gnomAD v4.1: 2 of 1,612,816 alleles (0.00012%); highest among the groups gnomAD compares: Non-Finnish European, 0.00017%; no homozygotes.

Submissions (2):

Ambry Genetics
Classification: Uncertain significance for Inborn genetic diseases. Last evaluated: 2025-08-11. Review status: criteria provided, single submitter. Criteria: Ambry Variant Classification Scheme 2023. Collection method: clinical testing. Allele origin: germline.

Department of Pathology and Laboratory Medicine, Sinai Health System
Classification: Uncertain significance. Review status: no assertion criteria provided. Collection method: clinical testing. Allele origin: unknown. Affected: yes. Study: The Canadian Open Genetics Repository (COGR). Not counted in ClinVar's aggregate classification.
Comment: The CHRND p.Gly3Ala variant was not identified in the literature nor was it identified in dbSNP, ClinVar, LOVD 3.0 or in the following control databases: the 1000 Genomes Project, the NHLBI GO Exome Sequencing Project, the Exome Aggregation Consortium (August 8th 2016), or the Genome Aggregation Database (March 6, 2019, v2.1.1). The p.Gly3 residue is not conserved in mammals and computational analyses (PolyPhen-2, SIFT, AlignGVGD, BLOSUM, MutationTaster) do not suggest a high likelihood of impact to the protein; however, this information is not predictive enough to rule out pathogenicity. The variant occurs outside of the splicing consensus sequence and three of four in silico or computational prediction software programs (SpliceSiteFinder, MaxEntScan, NNSPLICE, GeneSplicer) do not predict a difference in splicing. In summary, based on the above information the clinical significance of this variant cannot be determined with certainty at this time. This variant is classified as a variant of uncertain significance.

NM_000751.3(CHRND):c.8G>C (p.Gly3Ala)

Gene: CHRND (cholinergic receptor nicotinic delta subunit; plus strand). Cytogenetic location: 2q37.1.
Variant type: single nucleotide variant.
Coding change: c.8G>C on transcript NM_000751.3 (MANE Select); coding-DNA position 8, G replaced by C.
Protein change: p.Gly3Ala; replaces glycine 3 with alanine.
Molecular consequence: missense variant. On other transcripts: 5 prime UTR variant (2).
Genome position (GRCh38, 1-based): chr2:232,526,223, G>C. VCF-style: chr2-232526223-G-C. GRCh37 (hg19) VCF-style: chr2-233390933-G-C.
Other names: c.8G>C, p.Gly3Ala (NM_001256657.2); c.-264G>C (NM_001311195.2, NM_001311196.2); c.8G>C (NM_000751.1); short protein forms G3A.
Identifiers: ClinVar variation 1050769 (VCV001050769.2), dbSNP rs2106205606, ClinGen allele CA350995674.